The following is an entry in ClinVar:

NM_004370.6(COL12A1):c.4264G>C (p.Val1422Leu)

Gene: COL12A1 (collagen type XII alpha 1 chain; minus strand). Cytogenetic location: 6q13.
Variant type: single nucleotide variant.
Coding change: c.4264G>C on transcript NM_004370.6 (MANE Select); coding-DNA position 4264, G replaced by C.
Protein change: p.Val1422Leu; replaces valine 1422 with leucine.
Molecular consequence: missense variant.
Genome position (GRCh38, 1-based): chr6:75,148,381, C>G on the plus strand (G>C on the coding strand, the complement: COL12A1 is on the minus strand). VCF-style: chr6-75148381-C-G. GRCh37 (hg19) VCF-style: chr6-75858097-C-G.
Other names: c.4264G>C, p.Val1422Leu (NM_001424113.1, NM_001424114.1); c.3991G>C, p.Val1331Leu (NM_001424115.1); c.772G>C, p.Val258Leu (NM_001424116.1, NM_080645.3); short protein forms V1331L, V1422L, V258L.
Identifiers: ClinVar variation 4789943 (VCV004789943.1).

ClinVar aggregate classification (germline): Uncertain significance (1 of 4 stars; one submission).

Conditions:
Ullrich congenital muscular dystrophy 2 (UCMD2). Identifiers: Orphanet 75840, MedGen C4225314, MONDO:0014654, OMIM 616470.
Bethlem myopathy 2 (BTHLM2). Identifiers: Orphanet 536516, Orphanet 610, MedGen C4225313, MONDO:0034022, OMIM 616471.

gnomAD v4.1: 1 of 1,612,106 alleles (0.000062%); highest among the groups gnomAD compares: Non-Finnish European, 0.000085%; no homozygotes.

Submission:

Labcorp Genetics (formerly Invitae), Labcorp
Classification: Uncertain significance for Bethlem myopathy 2; Ullrich congenital muscular dystrophy 2. Last evaluated: 2025-05-19. Review status: criteria provided, single submitter. Criteria: Invitae Variant Classification Sherloc (09022015). Collection method: clinical testing. Allele origin: germline.
Comment: This sequence change replaces valine, which is neutral and non-polar, with leucine, which is neutral and non-polar, at codon 1422 of the COL12A1 protein (p.Val1422Leu). This variant is not present in population databases (gnomAD no frequency). This variant has not been reported in the literature in individuals affected with COL12A1-related conditions. Invitae Evidence Modeling of protein sequence and biophysical properties (such as structural, functional, and spatial information, amino acid conservation, physicochemical variation, residue mobility, and thermodynamic stability) indicates that this missense variant is not expected to disrupt COL12A1 protein function with a negative predictive value of 80%. In summary, the available evidence is currently insufficient to determine the role of this variant in disease. Therefore, it has been classified as a Variant of Uncertain Significance.